The following is an entry in ClinVar:

ClinVar aggregate classification (germline): Uncertain significance (1 of 4 stars; one submission).

Conditions:
Nance-Horan syndrome (NHS). Identifiers: Orphanet 627, MedGen C0796085, MONDO:0010545, OMIM 302350.

Submission:

Labcorp Genetics (formerly Invitae), Labcorp
Classification: Uncertain significance for Nance-Horan syndrome. Last evaluated: 2026-01-28. Review status: criteria provided, single submitter. Criteria: Invitae Variant Classification Sherloc (09022015). Collection method: clinical testing. Allele origin: germline.
Comment: This sequence change replaces alanine, which is neutral and non-polar, with threonine, which is neutral and polar, at codon 1588 of the NHS protein (p.Ala1588Thr). This variant is not present in population databases (gnomAD no frequency). This variant has not been reported in the literature in individuals affected with NHS-related conditions. Invitae Evidence Modeling of protein sequence and biophysical properties (such as structural, functional, and spatial information, amino acid conservation, physicochemical variation, residue mobility, and thermodynamic stability) indicates that this missense variant is expected to disrupt NHS protein function with a positive predictive value of 80%. In summary, the available evidence is currently insufficient to determine the role of this variant in disease. Therefore, it has been classified as a Variant of Uncertain Significance.

NM_001291867.2(NHS):c.4825G>A (p.Ala1609Thr)

Gene: NHS (NHS actin remodeling regulator; plus strand). Cytogenetic location: Xp22.13.
Variant type: single nucleotide variant.
Coding change: c.4825G>A on transcript NM_001291867.2 (MANE Select); coding-DNA position 4825, G replaced by A.
Protein change: p.Ala1609Thr; replaces alanine 1609 with threonine.
Molecular consequence: missense variant.
Genome position (GRCh38, 1-based): chrX:17,732,333, G>A. VCF-style: chrX-17732333-G-A. GRCh37 (hg19) VCF-style: chrX-17750453-G-A.
Other names: c.4294G>A, p.Ala1432Thr (NM_001136024.4); c.4231G>A, p.Ala1411Thr (NM_001291868.2); c.4486G>A, p.Ala1496Thr (NM_001440780.1); c.4762G>A, p.Ala1588Thr (NM_198270.4); short protein forms A1588T, A1432T, A1609T, A1411T, A1496T.
Identifiers: ClinVar variation 4745444 (VCV004745444.1).
Genomic context (GRCh38, chrX:17,732,333, plus strand): 5'-TCCTCGAAGAGCTTTGCCACCTCAGCATCAGCAAGGGTTGGACGTTCTCGGGCCCCTCCT[G>A]CAGCCAGCAGCAGCCGCTACAGTGTCCGCTGCCGGCTGTACAATACGCCCATGCAGGCAA-3'
Protein context (NP_001278796.1, residues 1599-1619): ARVGRSRAPP[Ala1609Thr]ASSSRYSVRC